The following is an entry in ClinVar:

NM_006269.2(RP1):c.2738A>C (p.Gln913Pro)

Gene: RP1 (RP1 axonemal microtubule associated; plus strand). Cytogenetic location: 8q12.1.
Variant type: single nucleotide variant.
Coding change: c.2738A>C on transcript NM_006269.2 (MANE Select); coding-DNA position 2738, A replaced by C.
Protein change: p.Gln913Pro; replaces glutamine 913 with proline.
Molecular consequence: missense variant. On other transcripts: intron variant (1).
Genome position (GRCh38, 1-based): chr8:54,626,620, A>C. VCF-style: chr8-54626620-A-C. GRCh37 (hg19) VCF-style: chr8-55539180-A-C.
Other names: c.787+4332A>C (NM_001375654.1); short protein forms Q913P.
Identifiers: ClinVar variation 3679109 (VCV003679109.3).

ClinVar aggregate classification (germline): Uncertain significance. Review status: criteria provided, multiple submitters, no conflicts (2 of 4 stars). 2 submissions from 2 submitters: Uncertain significance (2). Last evaluated 2024-05-06.

gnomAD v4.1: 10 of 1,613,530 alleles (0.00062%); highest among the groups gnomAD compares: South Asian, 0.0099%; no homozygotes.

Submissions (2):

Labcorp Genetics (formerly Invitae), Labcorp
Classification: Uncertain significance. Last evaluated: 2024-05-06. Review status: criteria provided, single submitter. Criteria: Invitae Variant Classification Sherloc (09022015). Collection method: clinical testing. Allele origin: germline.
Comment: This sequence change replaces glutamine, which is neutral and polar, with proline, which is neutral and non-polar, at codon 913 of the RP1 protein (p.Gln913Pro). This variant is present in population databases (rs749494775, gnomAD 0.01%). This variant has not been reported in the literature in individuals affected with RP1-related conditions. An algorithm developed to predict the effect of missense changes on protein structure and function (PolyPhen-2) suggests that this variant is likely to be disruptive. In summary, the available evidence is currently insufficient to determine the role of this variant in disease. Therefore, it has been classified as a Variant of Uncertain Significance.

Blueprint Genetics
Classification: Uncertain significance. Last evaluated: 2024-02-21. Review status: criteria provided, single submitter. Criteria: ACMG Guidelines, 2015. Collection method: clinical testing. Allele origin: germline.